The following is an entry in ClinVar:

ClinVar aggregate classification (germline): Uncertain significance. Review status: criteria provided, multiple submitters, no conflicts (2 of 4 stars). 2 submissions from 2 submitters: Uncertain significance (2). Last evaluated 2024-05-31.

Conditions:
Familial adenomatous polyposis 3. Also called: NTHL1-associated polyposis; NTHL1 Tumor Syndrome; NTHL1-Related Adenomatous Polyposis and Colorectal Cancer; NTHL1-related attenuated familial adenomatous polyposis. Identifiers: Orphanet 220460, Orphanet 454840, MedGen C4225157, MONDO:0014630, OMIM 616415.

Submissions (2):

Labcorp Genetics (formerly Invitae), Labcorp
Classification: Uncertain significance. Last evaluated: 2024-05-31. Review status: criteria provided, single submitter. Criteria: Invitae Variant Classification Sherloc (09022015). Collection method: clinical testing. Allele origin: germline.
Comment: This sequence change falls in intron 2 of the NTHL1 gene. It does not directly change the encoded amino acid sequence of the NTHL1 protein. It affects a nucleotide within the consensus splice site. This variant is not present in population databases (gnomAD no frequency). This variant has not been reported in the literature in individuals affected with NTHL1-related conditions. ClinVar contains an entry for this variant (Variation ID: 944124). Variants that disrupt the consensus splice site are a relatively common cause of aberrant splicing (PMID: 17576681, 9536098). Algorithms developed to predict the effect of sequence changes on RNA splicing suggest that this variant may disrupt the consensus splice site. In summary, the available evidence is currently insufficient to determine the role of this variant in disease. Therefore, it has been classified as a Variant of Uncertain Significance.

Baylor Genetics
Classification: Uncertain significance for Familial adenomatous polyposis 3. Last evaluated: 2023-10-01. Review status: criteria provided, single submitter. Criteria: ACMG Guidelines, 2015. Collection method: clinical testing. Allele origin: unknown.

Literature cited by the submitters: PubMed 17576681 (cited by Labcorp Genetics (formerly Invitae), Labcorp); PubMed 9536098 (cited by Labcorp Genetics (formerly Invitae), Labcorp).

NM_002528.7(NTHL1):c.354+5G>A

Gene: NTHL1 (nth like DNA glycosylase 1; minus strand). Cytogenetic location: 16p13.3.
Variant type: single nucleotide variant.
Coding change: c.354+5G>A on transcript NM_002528.7 (MANE Select); 5 bases into the intron after coding-DNA position 354, G replaced by A.
Molecular consequence: intron variant.
Genome position (GRCh38, 1-based): chr16:2,046,123, C>T on the plus strand (G>A on the coding strand, the complement: NTHL1 is on the minus strand). VCF-style: chr16-2046123-C-T. GRCh37 (hg19) VCF-style: chr16-2096124-C-T.
Other names: c.24+157G>A (NM_001318194.2); c.354+5G>A (NM_001318193.2).
Identifiers: ClinVar variation 944124 (VCV000944124.8), dbSNP rs2084360650, ClinGen allele CA1139664237.